The following is an entry in ClinVar:

NM_015272.5(RPGRIP1L):c.*1584G>T

Gene: RPGRIP1L (RPGRIP1 like; minus strand). Cytogenetic location: 16q12.2.
Variant type: single nucleotide variant.
Coding change: c.*1584G>T on transcript NM_015272.5 (MANE Select); 1584 bases downstream of the stop codon, G replaced by T.
Molecular consequence: 3 prime UTR variant.
Genome position (GRCh38, 1-based): chr16:53,600,492, C>A on the plus strand (G>T on the coding strand, the complement: RPGRIP1L is on the minus strand). VCF-style: chr16-53600492-C-A. GRCh37 (hg19) VCF-style: chr16-53634404-C-A.
Other names: c.*1584G>T (NM_001127897.4, NM_001308334.3, NM_001330538.2).
Identifiers: ClinVar variation 319626 (VCV000319626.29), dbSNP rs151226475, ClinGen allele CA10647702.

ClinVar aggregate classification (germline): Conflicting classifications of pathogenicity. Review status: criteria provided, conflicting classifications (1 of 4 stars). 4 submissions from 2 submitters: Uncertain significance (3); Likely benign (1). Last evaluated 2022-11-01.

Conditions:
Nephronophthisis 8. Identifiers: MedGen CN119610.
Joubert syndrome 7 (JBTS7). Identifiers: Orphanet 220497, MedGen C1969053, MONDO:0012694, OMIM 611560.
Meckel syndrome, type 5 (MKS5). Identifiers: Orphanet 564, MedGen C1969052, MONDO:0012695, OMIM 611561.

Allele frequency attached by ClinVar (database versions not stated): gnomAD 0.00057; TOPMed 0.00074; 1000 Genomes Project 30x 0.00187; 1000 Genomes Project 0.00200.

Submissions (4):

CeGaT Center for Human Genetics Tuebingen
Classification: Likely benign. Last evaluated: 2022-11-01. Review status: criteria provided, single submitter. Criteria: CeGaT Center For Human Genetics Tuebingen Variant Classification Criteria Version 2. Collection method: clinical testing. Allele origin: germline. Affected: yes. Observed: 1 variant allele.
Comment: RPGRIP1L: BS1

Illumina Laboratory Services, Illumina
Classification: Uncertain significance for Meckel syndrome, type 5. Last evaluated: 2018-01-12. Review status: criteria provided, single submitter. Criteria: ICSL Variant Classification Criteria 13 December 2019. Collection method: clinical testing. Allele origin: germline.

Illumina Laboratory Services, Illumina
Classification: Uncertain significance for Nephronophthisis 8. Last evaluated: 2018-01-12. Review status: criteria provided, single submitter. Criteria: ICSL Variant Classification Criteria 13 December 2019. Collection method: clinical testing. Allele origin: germline.

Illumina Laboratory Services, Illumina
Classification: Uncertain significance for Joubert syndrome 7. Last evaluated: 2018-01-12. Review status: criteria provided, single submitter. Criteria: ICSL Variant Classification Criteria 13 December 2019. Collection method: clinical testing. Allele origin: germline.